The following is an entry in ClinVar:

ClinVar aggregate classification (germline): Uncertain significance (1 of 4 stars; one submission).

gnomAD v4.1: 1 of 1,595,530 alleles (0.000063%); no homozygotes.

Submission:

Labcorp Genetics (formerly Invitae), Labcorp
Classification: Uncertain significance. Last evaluated: 2022-05-06. Review status: criteria provided, single submitter. Criteria: Invitae Variant Classification Sherloc (09022015). Collection method: clinical testing. Allele origin: germline.
Comment: In summary, the available evidence is currently insufficient to determine the role of this variant in disease. Therefore, it has been classified as a Variant of Uncertain Significance. Algorithms developed to predict the effect of missense changes on protein structure and function are either unavailable or do not agree on the potential impact of this missense change (SIFT: "Deleterious"; PolyPhen-2: "Possibly Damaging"; Align-GVGD: "Class C0"). This variant has not been reported in the literature in individuals affected with PYROXD1-related conditions. This variant is not present in population databases (gnomAD no frequency). This sequence change replaces valine, which is neutral and non-polar, with leucine, which is neutral and non-polar, at codon 50 of the PYROXD1 protein (p.Val50Leu).

NM_024854.5(PYROXD1):c.148G>C (p.Val50Leu)

Gene: PYROXD1 (pyridine nucleotide-disulphide oxidoreductase domain 1; plus strand). Cytogenetic location: 12p12.1.
Variant type: single nucleotide variant.
Coding change: c.148G>C on transcript NM_024854.5 (MANE Select); coding-DNA position 148, G replaced by C.
Protein change: p.Val50Leu; replaces valine 50 with leucine.
Molecular consequence: missense variant. On other transcripts: 5 prime UTR variant (2).
Genome position (GRCh38, 1-based): chr12:21,440,431, G>C. VCF-style: chr12-21440431-G-C. GRCh37 (hg19) VCF-style: chr12-21593365-G-C.
Other names: c.-66G>C (NM_001350912.2); c.-556G>C (NM_001350913.2); short protein forms V50L.
Identifiers: ClinVar variation 2104153 (VCV002104153.4), dbSNP rs2540225574, ClinGen allele CA384298866.